The following is an entry in ClinVar:

ClinVar aggregate classification (germline): Uncertain significance (1 of 4 stars; one submission).

Submission:

Labcorp Genetics (formerly Invitae), Labcorp
Classification: Uncertain significance. Last evaluated: 2024-11-25. Review status: criteria provided, single submitter. Criteria: Invitae Variant Classification Sherloc (09022015). Collection method: clinical testing. Allele origin: germline.
Comment: This sequence change replaces proline, which is neutral and non-polar, with leucine, which is neutral and non-polar, at codon 853 of the HIVEP2 protein (p.Pro853Leu). This variant is not present in population databases (gnomAD no frequency). This variant has not been reported in the literature in individuals affected with HIVEP2-related conditions. Invitae Evidence Modeling of protein sequence and biophysical properties (such as structural, functional, and spatial information, amino acid conservation, physicochemical variation, residue mobility, and thermodynamic stability) indicates that this missense variant is not expected to disrupt HIVEP2 protein function with a negative predictive value of 80%. In summary, the available evidence is currently insufficient to determine the role of this variant in disease. Therefore, it has been classified as a Variant of Uncertain Significance.

NM_006734.4(HIVEP2):c.2558C>T (p.Pro853Leu)

Gene: HIVEP2 (HIVEP zinc finger 2; minus strand). Cytogenetic location: 6q24.2.
Variant type: single nucleotide variant.
Coding change: c.2558C>T on transcript NM_006734.4 (MANE Select); coding-DNA position 2558, C replaced by T.
Protein change: p.Pro853Leu; replaces proline 853 with leucine.
Molecular consequence: missense variant.
Genome position (GRCh38, 1-based): chr6:142,772,181, G>A on the plus strand (C>T on the coding strand, the complement: HIVEP2 is on the minus strand). VCF-style: chr6-142772181-G-A. GRCh37 (hg19) VCF-style: chr6-143093318-G-A.
Other names: short protein forms P853L.
Identifiers: ClinVar variation 3706011 (VCV003706011.2).
Genomic context (GRCh38, chr6:142,772,181, plus strand): 5'-GACTGCTGCTGCACCTGCTGAGATGGAGAGGGTTTCCCCCCACTTTCTGCACCATCCCCA[G>A]GTGGAGCCCACTCAGGACTCACTGGGGCTTCTGAAATCTCACTGTCACAAGTCTCTGAAG-3'
Protein context (NP_006725.3, residues 843-863): EAPVSPEWAP[Pro853Leu]GDGAESGGKP